The following is an entry in ClinVar:

ClinVar aggregate classification (germline): Uncertain significance. Review status: criteria provided, single submitter (1 of 4 stars). 2 submissions from 2 submitters: Uncertain significance (1). 1 of the submissions does not count toward it. Last evaluated 2026-06-27.

Conditions:
Meckel syndrome, type 1 (MKS1). Also called: MECKEL-GRUBER SYNDROME, TYPE 1. Identifiers: Orphanet 564, MedGen C3714506, MONDO:0009571, OMIM 249000.
MKS1-related disorder. Also called: MKS1-related condition; MKS1-related disorders. Identifiers: MedGen CN239382.

Submissions (2):

PreventionGenetics, part of Exact Sciences
Classification: Uncertain significance for MKS1-related condition. Last evaluated: 2026-06-27. Review status: criteria provided, single submitter. Criteria: ACMG Guidelines, 2015. Collection method: clinical testing. Allele origin: germline.
Comment: The MKS1 c.418-10C>T variant is predicted to interfere with splicing. This variant may alter splicing based on in silico prediction (SpliceAI, Jaganathan K, et al. 2019. PubMed ID: 30661751). However, the use of computer prediction programs is not equivalent to functional evidence. To our knowledge, this variant has not been reported in the literature or in a large population database (gnomAD), indicating this variant is rare. At this time, the clinical significance of this variant is uncertain due to the absence of conclusive functional and genetic evidence.

Natera, Inc.
Classification: Uncertain significance for Meckel syndrome type 1. Last evaluated: 2025-03-31. Review status: no assertion criteria provided. Collection method: clinical testing. Allele origin: germline. Not counted in ClinVar's aggregate classification.

NM_017777.4(MKS1):c.418-10C>T

Gene: MKS1 (MKS transition zone complex subunit 1; minus strand). Cytogenetic location: 17q22.
Variant type: single nucleotide variant.
Coding change: c.418-10C>T on transcript NM_017777.4 (MANE Select); 10 bases into the intron before coding-DNA position 418, C replaced by T.
Molecular consequence: intron variant.
Genome position (GRCh38, 1-based): chr17:58,214,848, G>A on the plus strand (C>T on the coding strand, the complement: MKS1 is on the minus strand). VCF-style: chr17-58214848-G-A. GRCh37 (hg19) VCF-style: chr17-56292209-G-A.
Other names: c.-94-461C>T (NM_001321268.2); c.418-10C>T (NM_001330397.2, NM_001321269.2, NM_001411113.1).
Identifiers: ClinVar variation 4057719 (VCV004057719.2).
Genomic context (GRCh38, chr17:58,214,848, plus strand): 5'-GACCAAGAATGAAGGCACCTCGCTGGCTGCAGTGGTCATTCTCTGACAGTGCTGGGAAAA[G>A]CAAGCAGCCCTGTGTACGCCATCTGGTCAGGGCCACATGGAGCCAAGTACCTGAAGGGAA-3'